The following is an entry in ClinVar:

NM_000391.4(TPP1):c.1597G>A (p.Gly533Ser)

Gene: TPP1 (tripeptidyl peptidase 1; minus strand). Cytogenetic location: 11p15.4.
Variant type: single nucleotide variant.
Coding change: c.1597G>A on transcript NM_000391.4 (MANE Select); coding-DNA position 1597, G replaced by A.
Protein change: p.Gly533Ser; replaces glycine 533 with serine.
Molecular consequence: missense variant.
Genome position (GRCh38, 1-based): chr11:6,614,641, C>T on the plus strand (G>A on the coding strand, the complement: TPP1 is on the minus strand). VCF-style: chr11-6614641-C-T. GRCh37 (hg19) VCF-style: chr11-6635872-C-T.
Other names: short protein forms G533S.
Identifiers: ClinVar variation 1382395 (VCV001382395.5), dbSNP rs2134590473, ClinGen allele CA379472129.

ClinVar aggregate classification (germline): Uncertain significance (1 of 4 stars; one submission).

Allele frequency attached by ClinVar (database versions not stated): gnomAD exomes below 0.00001.
gnomAD v4.1: 2 of 1,614,118 alleles (0.00012%); highest among the groups gnomAD compares: East Asian, 0.0022%; no homozygotes.

Submission:

Labcorp Genetics (formerly Invitae), Labcorp
Classification: Uncertain significance. Last evaluated: 2022-07-11. Review status: criteria provided, single submitter. Criteria: Invitae Variant Classification Sherloc (09022015). Collection method: clinical testing. Allele origin: germline.
Comment: This sequence change replaces glycine, which is neutral and non-polar, with serine, which is neutral and polar, at codon 533 of the TPP1 protein (p.Gly533Ser). This variant is not present in population databases (gnomAD no frequency). This variant has not been reported in the literature in individuals affected with TPP1-related conditions. ClinVar contains an entry for this variant (Variation ID: 1382395). Advanced modeling of protein sequence and biophysical properties (such as structural, functional, and spatial information, amino acid conservation, physicochemical variation, residue mobility, and thermodynamic stability) performed at Invitae indicates that this missense variant is expected to disrupt TPP1 protein function. In summary, the available evidence is currently insufficient to determine the role of this variant in disease. Therefore, it has been classified as a Variant of Uncertain Significance.